The following is an entry in ClinVar:

ClinVar aggregate classification (germline): Uncertain significance (1 of 4 stars; one submission).

Submission:

GeneDx
Classification: Uncertain significance. Last evaluated: 2023-12-13. Review status: criteria provided, single submitter. Criteria: GeneDx Variant Classification Process June 2021. Collection method: clinical testing. Allele origin: germline. Affected: yes.
Comment: Not observed at significant frequency in large population cohorts (gnomAD); In silico analysis supports that this missense variant does not alter protein structure/function; Has not been previously published as pathogenic or benign to our knowledge

NM_006734.4(HIVEP2):c.3456C>G (p.His1152Gln)

Gene: HIVEP2 (HIVEP zinc finger 2; minus strand). Cytogenetic location: 6q24.2.
Variant type: single nucleotide variant.
Coding change: c.3456C>G on transcript NM_006734.4 (MANE Select); coding-DNA position 3456, C replaced by G.
Protein change: p.His1152Gln; replaces histidine 1152 with glutamine.
Molecular consequence: missense variant.
Genome position (GRCh38, 1-based): chr6:142,771,283, G>C on the plus strand (C>G on the coding strand, the complement: HIVEP2 is on the minus strand). VCF-style: chr6-142771283-G-C. GRCh37 (hg19) VCF-style: chr6-143092420-G-C.
Other names: short protein forms H1152Q.
Identifiers: ClinVar variation 3365721 (VCV003365721.1).